The following is an entry in ClinVar:

NM_000252.3(MTM1):c.575A>G (p.Tyr192Cys)

Gene: MTM1 (myotubularin 1; plus strand). Cytogenetic location: Xq28.
Variant type: single nucleotide variant.
Coding change: c.575A>G on transcript NM_000252.3 (MANE Select); coding-DNA position 575, A replaced by G.
Protein change: p.Tyr192Cys; replaces tyrosine 192 with cysteine.
Molecular consequence: missense variant.
Genome position (GRCh38, 1-based): chrX:150,641,315, A>G. VCF-style: chrX-150641315-A-G. GRCh37 (hg19) VCF-style: chrX-149809788-A-G.
Other names: NM_000252.3(MTM1):c.575A>G; p.Tyr192Cys; c.575A>G, p.Tyr192Cys (NM_001376906.1, NM_001376908.1); c.464A>G, p.Tyr155Cys (NM_001376907.1); short protein forms Y192C, Y155C.
Identifiers: ClinVar variation 158984 (VCV000158984.19), dbSNP rs587783838, ClinGen allele CA271902.
Genomic context (GRCh38, chrX:150,641,315, plus strand): 5'-TTTTTTCCTCACAGGGCTTGCCCAATCACCATTGGAGAATAACTTTTATTAATAAGTGCT[A>G]TGAGCTCTGTGACACTTACCCTGCTCTTTTGGTGGTTCCGTATCGTGCCTCAGATGATGA-3'
Protein context (NP_000243.1, residues 182-202): HWRITFINKC[Tyr192Cys]ELCDTYPALL

ClinVar aggregate classification (germline): Likely pathogenic. Review status: reviewed by expert panel (3 of 4 stars). 5 submissions from 5 submitters: Likely pathogenic (1). 4 of the submissions do not count toward it. Last evaluated 2024-08-07.

Conditions:
Centronuclear myopathy (CNM). Also called: Myotubular myopathy; Centronuclear myopathy, congenital. Identifiers: Orphanet 595, MedGen C0175709, MONDO:0018947. Inheritance: All.
Severe X-linked myotubular myopathy (CNMX). Also called: MYOTUBULAR MYOPATHY 1; X-linked centronuclear myopathy; Myotubular myopathy, X-linked. Identifiers: Orphanet 596, MedGen C0410203, MONDO:0010683, OMIM 310400.

Submissions (5):

ClinGen Congenital Myopathies Variant Curation Expert Panel, ClinGen
Classification: Likely pathogenic for Centronuclear myopathy. Last evaluated: 2024-08-07. Review status: reviewed by expert panel. Criteria: ClinGen CongenMyopathy ACMG Specifications MTM1 V1.0.0. Collection method: curation. Allele origin: germline. Inheritance: X-linked inheritance.
Comment: The NM_000252.3:c.575A>G variant in MTM1 is a missense variant predicted to cause substitution of tyrosine by cysteine at amino acid 192. This variant is absent from gnomAD v4.1.0 (PM2_Supporting). The computational predictor REVEL gives a score of 0.946, which is above the threshold of 0.7, evidence that correlates with impact to MTM1 function (PP3). This variant has been reported in 5 probands with centronuclear myopathy (PS4_Strong; PMID: 20434914,, ClinVar SCV: SCV000634492.8, Invitae). The variant has been reported to segregate with X-linked centronuclear myopathy in at least 3 affected family members from 2 families (PP1_Moderate;, ClinVar SCV: SCV000634492.8, Invitae). Myotubularin level was lower in cells from one patient compared to control. Semi-quantitative analysis compared to GAPDH level suggested a decrease of about 7 times compared to control (PS3_Supporting; PMID: 20434914). In summary, this variant meets the criteria to be classified as likely pathogenic for X-linked centronuclear myopathy based on the ACMG/AMP criteria applied, as specified by the ClinGen Congenital Myopathies VCEP: PS4, PP1_Moderate, PS3_Supporting, PM2_Supporting, PP3. (Congenital Myopathies VCEP specifications version 1; 8/7/2024)

Muscle and Diseases Team, Institut de Génétique et Biologie Moléculaire et Cellulaire
Classification: Pathogenic for Centronuclear myopathy. Last evaluated: 2024-03-01. Review status: criteria provided, single submitter. Criteria: ACMG Guidelines, 2015. Collection method: research. Allele origin: unknown. Affected: yes. Observed: 1 variant allele. Not counted in ClinVar's aggregate classification.
Comment: PS1+PM1+PM2+PP2+PP3+PP5

Labcorp Genetics (formerly Invitae), Labcorp
Classification: Pathogenic for Severe X-linked myotubular myopathy. Last evaluated: 2024-02-05. Review status: criteria provided, single submitter. Criteria: Invitae Variant Classification Sherloc (09022015). Collection method: clinical testing. Allele origin: germline. Not counted in ClinVar's aggregate classification.
Comment: This sequence change replaces tyrosine, which is neutral and polar, with cysteine, which is neutral and slightly polar, at codon 192 of the MTM1 protein (p.Tyr192Cys). This variant is not present in population databases (gnomAD no frequency). This missense change has been observed in individuals with myotubular myopathy (PMID: 20434914; Invitae). ClinVar contains an entry for this variant (Variation ID: 158984). Advanced modeling of protein sequence and biophysical properties (such as structural, functional, and spatial information, amino acid conservation, physicochemical variation, residue mobility, and thermodynamic stability) performed at Invitae indicates that this missense variant is expected to disrupt MTM1 protein function with a positive predictive value of 95%. Experimental studies have shown that this missense change affects MTM1 function (PMID: 20434914). For these reasons, this variant has been classified as Pathogenic.

GeneDx
Classification: Likely pathogenic. Last evaluated: 2023-03-22. Review status: criteria provided, single submitter. Criteria: GeneDx Variant Classification Process June 2021. Collection method: clinical testing. Allele origin: germline. Affected: yes. Not counted in ClinVar's aggregate classification.
Comment: Not observed at significant frequency in large population cohorts (gnomAD); In silico analysis supports that this missense variant has a deleterious effect on protein structure/function; This variant is associated with the following publications: (PMID: Magot2014[abstract], 29668875, 34011573, 20434914)

Genetic Services Laboratory, University of Chicago
Classification: Likely pathogenic for Myotubular myopathy, X-linked. Last evaluated: 2015-04-10. Review status: criteria provided, single submitter. Criteria: ACMG Guidelines, 2015. Collection method: clinical testing. Allele origin: germline. Affected: yes. Not counted in ClinVar's aggregate classification.

Literature cited by the submitters: DOI 10.1186/s13073-024-01353-0 (cited by Muscle and Diseases Team, Institut de Génétique et Biologie Moléculaire et Cellulaire); PubMed 20434914 (cited by Labcorp Genetics (formerly Invitae), Labcorp).